The following is an entry in ClinVar:

NM_001130987.2(DYSF):c.2434G>A (p.Val812Ile)

Gene: DYSF (dysferlin; plus strand). Cytogenetic location: 2p13.2.
Variant type: single nucleotide variant.
Coding change: c.2434G>A on transcript NM_001130987.2 (MANE Select); coding-DNA position 2434, G replaced by A.
Protein change: p.Val812Ile; replaces valine 812 with isoleucine.
Molecular consequence: missense variant.
Genome position (GRCh38, 1-based): chr2:71,564,082, G>A. VCF-style: chr2-71564082-G-A. GRCh37 (hg19) VCF-style: chr2-71791212-G-A.
Other names: c.2383G>A, p.Val795Ile (NM_001130455.2, NM_001130983.2); c.2338G>A, p.Val780Ile (NM_001130976.2, NM_001130977.2); c.2380G>A, p.Val794Ile (NM_001130978.2, NM_003494.4); c.2473G>A, p.Val825Ile (NM_001130979.2); c.2431G>A, p.Val811Ile (NM_001130980.2, NM_001130981.2); c.2476G>A, p.Val826Ile (NM_001130982.2); c.2341G>A, p.Val781Ile (NM_001130984.2, NM_001130986.2); c.2434G>A, p.Val812Ile (NM_001130985.2); short protein forms V794I, V781I, V795I, V780I, V811I, V812I, V825I, V826I.
Identifiers: ClinVar variation 897424 (VCV000897424.15), dbSNP rs371609233, ClinGen allele CA1706178.

ClinVar aggregate classification (germline): Conflicting classifications of pathogenicity. Review status: criteria provided, conflicting classifications (1 of 4 stars). 6 submissions from 6 submitters: Uncertain significance (3); Benign (1); Likely benign (1). 1 of the submissions does not count toward it. Last evaluated 2024-02-29.

Conditions:
Neuromuscular disease caused by qualitative or quantitative defects of dysferlin. Also called: Qualitative or quantitative defects of dysferlin; Dysferlinopathy. Identifiers: Orphanet 207073, MedGen C2931687, MONDO:0016145.
Autosomal recessive limb-girdle muscular dystrophy type 2B (LGMDR2). Also called: MUSCULAR DYSTROPHY, LIMB-GIRDLE, TYPE 3; Limb-Girdle Muscular Dystrophy Type 2B (LGMD2B); Limb-girdle muscular dystrophy, type 2B; MUSCULAR DYSTROPHY, LIMB-GIRDLE, AUTOSOMAL RECESSIVE 2. Identifiers: Orphanet 268, MedGen C1850889, MONDO:0009676, OMIM 253601.
Inborn genetic diseases. Identifiers: MedGen C0950123, MeSH D030342.

Allele frequency attached by ClinVar (database versions not stated): gnomAD exomes 0.00001 and 0.00003; ExAC 0.00002; ESP Exome Variant Server 0.00008; gnomAD 0.00009 and 0.00011; TOPMed 0.00009.
gnomAD v4.1: 37 of 1,614,092 alleles (0.0023%); highest among the groups gnomAD compares: African/African-American, 0.019%; no homozygotes.

Submissions (6):

Labcorp Genetics (formerly Invitae), Labcorp
Classification: Benign for Neuromuscular disease caused by qualitative or quantitative defects of dysferlin. Last evaluated: 2024-02-29. Review status: criteria provided, single submitter. Criteria: Invitae Variant Classification Sherloc (09022015). Collection method: clinical testing. Allele origin: germline.

Ambry Genetics
Classification: Likely benign for Inborn genetic diseases. Last evaluated: 2024-01-29. Review status: criteria provided, single submitter. Criteria: Ambry Variant Classification Scheme 2023. Collection method: clinical testing. Allele origin: germline.

GeneDx
Classification: Uncertain significance. Last evaluated: 2020-01-23. Review status: criteria provided, single submitter. Criteria: GeneDx Variant Classification Process June 2021. Collection method: clinical testing. Allele origin: germline. Affected: yes.
Comment: In silico analysis, which includes protein predictors and evolutionary conservation, supports that this variant does not alter protein structure/function; Has not been previously published as pathogenic or benign to our knowledge

Revvity Omics, Revvity
Classification: Uncertain significance. Last evaluated: 2019-10-08. Review status: criteria provided, single submitter. Criteria: ACMG Guidelines, 2015. Collection method: clinical testing. Allele origin: germline.

Illumina Laboratory Services, Illumina
Classification: Uncertain significance for Qualitative or quantitative defects of dysferlin. Last evaluated: 2018-01-13. Review status: criteria provided, single submitter. Criteria: ICSL Variant Classification Criteria 13 December 2019. Collection method: clinical testing. Allele origin: germline.

Natera, Inc.
Classification: Uncertain significance for Limb-girdle muscular dystrophy type 2B. Last evaluated: 2020-02-13. Review status: no assertion criteria provided. Collection method: clinical testing. Allele origin: germline. Not counted in ClinVar's aggregate classification.